The following is an entry in ClinVar:

NC_000010.10:g.(?_124813200)_(124818000_?)del

Gene: ACADSB (acyl-CoA dehydrogenase short/branched chain; plus strand). Cytogenetic location: 10q26.13.
Variant type: Deletion.
Identifiers: ClinVar variation 3244864 (VCV003244864.1).

ClinVar aggregate classification (germline): Uncertain significance (1 of 4 stars; one submission).

Conditions:
Deficiency of 2-methylbutyryl-CoA dehydrogenase (ACADSB). Also called: 2-methylbutyryl-CoA dehydrogenase deficiency; SBCAD deficiency; 2-methylbutyric aciduria; Short branched-chain acyl-CoA dehydrogenase deficiency; 2-methylbutyrylglycinuria. Identifiers: Orphanet 79157, MedGen C1864912, MONDO:0012392, OMIM 610006, HP:0020147.

Submission:

Labcorp Genetics (formerly Invitae), Labcorp
Classification: Uncertain significance for Deficiency of 2-methylbutyryl-CoA dehydrogenase. Last evaluated: 2023-11-27. Review status: criteria provided, single submitter. Criteria: Invitae Variant Classification Sherloc (09022015). Collection method: clinical testing. Allele origin: unknown.
Comment: This variant is a gross deletion of the genomic region encompassing exon(s) 11 of the ACADSB gene, which includes the termination codon. This deletion extends beyond the assayed region for this gene and therefore may encompass additional genes. While this deletion is not anticipated to lead to nonsense mediated decay, it is expected to alter mRNA translation or result in a truncated protein product. This variant has not been reported in the literature in individuals affected with ACADSB-related conditions. Experimental studies and prediction algorithms are not available or were not evaluated, and the functional significance of this variant is currently unknown. In summary, the available evidence is currently insufficient to determine the role of this variant in disease. Therefore, it has been classified as a Variant of Uncertain Significance.